The following is an entry in ClinVar:

ClinVar aggregate classification (germline): Uncertain significance (1 of 4 stars; one submission).

Conditions:
Hereditary cancer-predisposing syndrome. Also called: Tumor predisposition; Hereditary neoplastic syndrome; Neoplastic Syndromes, Hereditary; Hereditary Cancer Syndrome. Identifiers: Orphanet 140162, MedGen C0027672, MeSH D009386, MONDO:0015356.

Submission:

Ambry Genetics
Classification: Uncertain significance for Hereditary cancer-predisposing syndrome. Last evaluated: 2025-10-23. Review status: criteria provided, single submitter. Criteria: Ambry Variant Classification Scheme 2023. Collection method: clinical testing. Allele origin: germline.
Comment: The p.E501V variant (also known as c.1502A>T), located in coding exon 13 of the CHEK2 gene, results from an A to T substitution at nucleotide position 1502. The glutamic acid at codon 501 is replaced by valine, an amino acid with dissimilar properties. This amino acid position is not well conserved in available vertebrate species. In addition, this alteration is predicted to be tolerated by in silico analysis. Since supporting evidence is limited at this time, the clinical significance of this alteration remains unclear.

NM_007194.4(CHEK2):c.1502A>T (p.Glu501Val)

Gene: CHEK2 (checkpoint kinase 2; minus strand). Cytogenetic location: 22q12.1.
Variant type: single nucleotide variant.
Coding change: c.1502A>T on transcript NM_007194.4 (MANE Select); coding-DNA position 1502, A replaced by T.
Protein change: p.Glu501Val; replaces glutamic acid 501 with valine.
Molecular consequence: missense variant.
Genome position (GRCh38, 1-based): chr22:28,689,175, T>A on the plus strand (A>T on the coding strand, the complement: CHEK2 is on the minus strand). VCF-style: chr22-28689175-T-A. GRCh37 (hg19) VCF-style: chr22-29085163-T-A.
Other names: c.1631A>T, p.Glu544Val (NM_001005735.3); c.839A>T, p.Glu280Val (NM_001257387.3); c.1301A>T, p.Glu434Val (NM_001349956.3); c.1415A>T, p.Glu472Val (NM_145862.3); short protein forms E280V, E472V, E501V, E434V, E544V.
Identifiers: ClinVar variation 819397 (VCV000819397.5), dbSNP rs1601702134, ClinGen allele CA411092422.